The following is an entry in ClinVar:

NM_001083926.2(ASRGL1):c.371A>C (p.Gln124Pro)

Gene: ASRGL1 (asparaginase and isoaspartyl peptidase 1; plus strand). Cytogenetic location: 11q12.3.
Variant type: single nucleotide variant.
Coding change: c.371A>C on transcript NM_001083926.2 (MANE Select); coding-DNA position 371, A replaced by C.
Protein change: p.Gln124Pro; replaces glutamine 124 with proline.
Molecular consequence: missense variant.
Genome position (GRCh38, 1-based): chr11:62,357,024, A>C. VCF-style: chr11-62357024-A-C. GRCh37 (hg19) VCF-style: chr11-62124496-A-C.
Other names: c.371A>C, p.Gln124Pro (NM_025080.4); short protein forms Q124P.
Identifiers: ClinVar variation 1489684 (VCV001489684.8), dbSNP rs2134608186, ClinGen allele CA380865811.

ClinVar aggregate classification (germline): Uncertain significance (1 of 4 stars; one submission).

Allele frequency attached by ClinVar (database versions not stated): gnomAD exomes below 0.00001.
gnomAD v4.1: 2 of 1,613,878 alleles (0.00012%); highest among the groups gnomAD compares: Non-Finnish European, 0.00017%; no homozygotes.

Submission:

Labcorp Genetics (formerly Invitae), Labcorp
Classification: Uncertain significance. Last evaluated: 2022-11-01. Review status: criteria provided, single submitter. Criteria: Invitae Variant Classification Sherloc (09022015). Collection method: clinical testing. Allele origin: germline.
Comment: In summary, the available evidence is currently insufficient to determine the role of this variant in disease. Therefore, it has been classified as a Variant of Uncertain Significance. Algorithms developed to predict the effect of missense changes on protein structure and function (SIFT, PolyPhen-2, Align-GVGD) all suggest that this variant is likely to be tolerated. ClinVar contains an entry for this variant (Variation ID: 1489684). This variant has not been reported in the literature in individuals affected with ASRGL1-related conditions. This variant is not present in population databases (gnomAD no frequency). This sequence change replaces glutamine, which is neutral and polar, with proline, which is neutral and non-polar, at codon 124 of the ASRGL1 protein (p.Gln124Pro).